The following is an entry in ClinVar:

ClinVar aggregate classification (germline): Conflicting classifications of pathogenicity. Review status: criteria provided, conflicting classifications (1 of 4 stars). 4 submissions from 4 submitters: Uncertain significance (3); Likely benign (1). Last evaluated 2024-11-26.

Conditions:
Inborn genetic diseases. Identifiers: MedGen C0950123, MeSH D030342.
Retinitis pigmentosa 36 (RP36). Identifiers: Orphanet 791, MedGen C1864621, MONDO:0012523, OMIM 610599.

Allele frequency attached by ClinVar (database versions not stated): 1000 Genomes Project 30x 0.00016; ESP Exome Variant Server 0.00024; TOPMed 0.00026.
gnomAD v4.1: 222 of 1,613,698 alleles (0.014%); highest among the groups gnomAD compares: African/African-American, 0.065%; no homozygotes.

Submissions (4):

Ambry Genetics
Classification: Uncertain significance for Inborn genetic diseases. Last evaluated: 2024-11-26. Review status: criteria provided, single submitter. Criteria: Ambry Variant Classification Scheme 2023. Collection method: clinical testing. Allele origin: germline.

Blueprint Genetics
Classification: Likely benign. Last evaluated: 2024-02-07. Review status: criteria provided, single submitter. Criteria: ACMG Guidelines, 2015. Collection method: clinical testing. Allele origin: germline.

Labcorp Genetics (formerly Invitae), Labcorp
Classification: Uncertain significance. Last evaluated: 2024-01-23. Review status: criteria provided, single submitter. Criteria: Invitae Variant Classification Sherloc (09022015). Collection method: clinical testing. Allele origin: germline.
Comment: This sequence change replaces aspartic acid, which is acidic and polar, with asparagine, which is neutral and polar, at codon 29 of the PRCD protein (p.Asp29Asn). This variant is present in population databases (rs372084413, gnomAD 0.09%). This variant has not been reported in the literature in individuals affected with PRCD-related conditions. ClinVar contains an entry for this variant (Variation ID: 950646). An algorithm developed to predict the effect of missense changes on protein structure and function (PolyPhen-2) suggests that this variant¬†is likely to be tolerated. In summary, the available evidence is currently insufficient to determine the role of this variant in disease. Therefore, it has been classified as a Variant of Uncertain Significance.

Department of Pathology and Laboratory Medicine, Sinai Health System
Classification: Uncertain significance for Retinitis pigmentosa 36. Last evaluated: 2022-01-10. Review status: criteria provided, single submitter. Criteria: ACMG Guidelines, 2015. Collection method: research. Allele origin: germline.

NM_001077620.3(PRCD):c.85G>A (p.Asp29Asn)

Genes: CYGB (cytoglobin; minus strand), PRCD (photoreceptor disc component; plus strand). Cytogenetic location: 17q25.1.
Variant type: single nucleotide variant.
Coding change: c.85G>A on transcript NM_001077620.3 (MANE Select); coding-DNA position 85, G replaced by A.
Protein change: p.Asp29Asn; replaces aspartic acid 29 with asparagine.
Molecular consequence: missense variant. On other transcripts: non-coding transcript variant (1).
Genome position (GRCh38, 1-based): chr17:76,540,515, G>A. VCF-style: chr17-76540515-G-A. GRCh37 (hg19) VCF-style: chr17-74536597-G-A.
Other names: short protein forms D29N.
Identifiers: ClinVar variation 950646 (VCV000950646.9), dbSNP rs372084413, ClinGen allele CA8787905.